The following is an entry in ClinVar:

ClinVar aggregate classification (germline): Uncertain significance (1 of 4 stars; one submission).

Allele frequency attached by ClinVar (database versions not stated): ExAC 0.00001; gnomAD 0.00001; TOPMed 0.00002; gnomAD exomes 0.00003; ESP Exome Variant Server 0.00008.
gnomAD v4.1: 79 of 1,613,804 alleles (0.0049%); highest among the groups gnomAD compares: Non-Finnish European, 0.006%; no homozygotes.

Submission:

Labcorp Genetics (formerly Invitae), Labcorp
Classification: Uncertain significance. Last evaluated: 2021-04-17. Review status: criteria provided, single submitter. Criteria: Invitae Variant Classification Sherloc (09022015). Collection method: clinical testing. Allele origin: germline.
Comment: This variant has not been reported in the literature in individuals with PDHX-related conditions. In summary, the available evidence is currently insufficient to determine the role of this variant in disease. Therefore, it has been classified as a Variant of Uncertain Significance. Algorithms developed to predict the effect of missense changes on protein structure and function (SIFT, PolyPhen-2, Align-GVGD) all suggest that this variant is likely to be disruptive, but these predictions have not been confirmed by published functional studies and their clinical significance is uncertain. This variant is present in population databases (rs372175732, ExAC 0.001%). This sequence change replaces proline with alanine at codon 434 of the PDHX protein (p.Pro434Ala). The proline residue is highly conserved and there is a small physicochemical difference between proline and alanine.

NM_003477.3(PDHX):c.1300C>G (p.Pro434Ala)

Gene: PDHX (pyruvate dehydrogenase complex component X; plus strand). Cytogenetic location: 11p13.
Variant type: single nucleotide variant.
Coding change: c.1300C>G on transcript NM_003477.3 (MANE Select); coding-DNA position 1300, C replaced by G.
Protein change: p.Pro434Ala; replaces proline 434 with alanine.
Molecular consequence: missense variant.
Genome position (GRCh38, 1-based): chr11:34,994,966, C>G. VCF-style: chr11-34994966-C-G. GRCh37 (hg19) VCF-style: chr11-35016513-C-G.
Other names: c.1120C>G, p.Pro374Ala (NM_001135024.2); c.619C>G, p.Pro207Ala (NM_001166158.2); short protein forms P207A, P374A, P434A.
Identifiers: ClinVar variation 1470613 (VCV001470613.8), dbSNP rs372175732, ClinGen allele CA5946179.
Genomic context (GRCh38, chr11:34,994,966, plus strand): 5'-CCCCCTAGTATTTCCAACTTGGGGATGTTTGGCATCGACGAATTTACTGCAGTGATTAAC[C>G]CTCCTCAGGCCTGCATTTTGGCGGTTGGGAGGTTCCGACCTGTGCTGAAGCTCACTGAGG-3'
Protein context (NP_003468.2, residues 424-444): GIDEFTAVIN[Pro434Ala]PQACILAVGR